The following is an entry in ClinVar:

ClinVar aggregate classification (germline): Likely pathogenic (1 of 4 stars; one submission).

Conditions:
Ehlers-Danlos syndrome, type 4 (EDSVASC). Also called: Ehlers-Danlos syndrome vascular type; Ehlers Danlos syndrome, ecchymotic type; Ehlers Danlos syndrome, arterial type; Ehlers Danlos syndrome, Sack-Barabas type; Ehlers-Danlos Syndrome Type IV. Identifiers: Orphanet 286, MedGen C0268338, MONDO:0017314, OMIM 130050.

Submission:

Labcorp Genetics (formerly Invitae), Labcorp
Classification: Likely pathogenic for Ehlers-Danlos syndrome, type 4. Last evaluated: 2024-10-30. Review status: criteria provided, single submitter. Criteria: Invitae Variant Classification Sherloc (09022015). Collection method: clinical testing. Allele origin: germline.
Comment: This sequence change replaces glycine, which is neutral and non-polar, with arginine, which is basic and polar, at codon 228 of the COL3A1 protein (p.Gly228Arg). This variant is not present in population databases (gnomAD no frequency). This missense change has been observed in individual(s) with aortic dissection (internal data). Invitae Evidence Modeling of protein sequence and biophysical properties (such as structural, functional, and spatial information, amino acid conservation, physicochemical variation, residue mobility, and thermodynamic stability) indicates that this missense variant is expected to disrupt COL3A1 protein function with a positive predictive value of 95%. This variant disrupts the triple helix domain of COL3A1. Glycine residues within the Gly-Xaa-Yaa repeats of the triple helix domain are required for the structure and stability of fibrillar collagens (PMID: 7695699, 8218237, 19344236). In COL3A1, variants that affect these glycine residues are significantly enriched in individuals with disease (PMID: 24922459, 25758994) compared to the general population (ExAC). In summary, the currently available evidence indicates that the variant is pathogenic, but additional data are needed to prove that conclusively. Therefore, this variant has been classified as Likely Pathogenic.

Literature cited by the submitters: PubMed 7695699; PubMed 8218237; PubMed 19344236; PubMed 24922459; PubMed 25758994.

NM_000090.4(COL3A1):c.682G>A (p.Gly228Arg)

Gene: COL3A1 (collagen type III alpha 1 chain; plus strand). Cytogenetic location: 2q32.2.
Variant type: single nucleotide variant.
Coding change: c.682G>A on transcript NM_000090.4 (MANE Select); coding-DNA position 682, G replaced by A.
Protein change: p.Gly228Arg; replaces glycine 228 with arginine.
Molecular consequence: missense variant.
Genome position (GRCh38, 1-based): chr2:188,989,441, G>A. VCF-style: chr2-188989441-G-A. GRCh37 (hg19) VCF-style: chr2-189854167-G-A.
Other names: short protein forms G228R.
Identifiers: ClinVar variation 3634083 (VCV003634083.2).